The following is an entry in ClinVar:

ClinVar aggregate classification (germline): Uncertain significance (1 of 4 stars; one submission).

Allele frequency attached by ClinVar (database versions not stated): gnomAD exomes below 0.00001.

Submission:

CeGaT Center for Human Genetics Tuebingen
Classification: Uncertain significance. Last evaluated: 2024-03-01. Review status: criteria provided, single submitter. Criteria: CeGaT Center For Human Genetics Tuebingen Variant Classification Criteria Version 2. Collection method: clinical testing. Allele origin: germline. Affected: yes. Observed: 1 variant allele.
Comment: MEFV: PM2, BP4

NM_000243.3(MEFV):c.1588G>A (p.Asp530Asn)

Gene: MEFV (MEFV innate immunity regulator, pyrin; minus strand). Cytogenetic location: 16p13.3.
Variant type: single nucleotide variant.
Coding change: c.1588G>A on transcript NM_000243.3 (MANE Select); coding-DNA position 1588, G replaced by A.
Protein change: p.Asp530Asn; replaces aspartic acid 530 with asparagine.
Molecular consequence: missense variant.
Genome position (GRCh38, 1-based): chr16:3,246,547, C>T on the plus strand (G>A on the coding strand, the complement: MEFV is on the minus strand). VCF-style: chr16-3246547-C-T. GRCh37 (hg19) VCF-style: chr16-3296547-C-T.
Other names: c.955G>A, p.Asp319Asn (NM_001198536.2); short protein forms D319N, D530N.
Identifiers: ClinVar variation 3067554 (VCV003067554.21), dbSNP rs2543144449, ClinGen allele CA394462733.